The following is an entry in ClinVar:

NM_000342.4(SLC4A1):c.1987ATG[1] (p.Met664del)

Gene: SLC4A1 (solute carrier family 4 member 1 (Diego blood group); minus strand). Cytogenetic location: 17q21.31.
Variant type: Microsatellite.
Coding change: c.1987ATG[1] on transcript NM_000342.4 (MANE Select); one copy of the 3-base unit ATG starting at c.1987; the reference has two copies in a row; one copy, 3 bases deleted; also written c.1990_1992del.
Protein change: p.Met664del; deletes methionine 664.
Molecular consequence: inframe deletion.
Genome position (GRCh38, 1-based): chr17:44,254,561-44,254,563, CAT deleted on the plus strand (ATG on the coding strand, the reverse complement: SLC4A1 is on the minus strand); deleting any 3 consecutive bases within chr17:44,254,561-44,254,567 gives the same sequence; the position shown is the placement nearest the transcript's 3' end. VCF-style (leftmost placement, unchanged base first): chr17-44254560-ACAT-A. GRCh37 (hg19) VCF-style: chr17-42331928-ACAT-A.
Other names: p.Met664del; c.1990_1992del (NM_000342.4); c.1990_1992delATG (NM_000342.3); short protein forms M664del.
Identifiers: ClinVar variation 2433508 (VCV002433508.5), dbSNP rs2509962537, ClinGen allele CA2580613150.
Genomic context (GRCh38, chr17:44,254,560, plus strand): 5'-TGATCTGAGACTCCAGGAATATGAGGATGAAGACCAGCAGAGCAGGCAGGGCGGAGGCAA[ACAT>A]CATCCAGATGGGAAACTCGGAACGCAAGCCCAGTGGGTGGATGACCCAGCCCCGGGCTGA-3'

ClinVar aggregate classification (germline): Conflicting classifications of pathogenicity. Review status: criteria provided, conflicting classifications (1 of 4 stars). 3 submissions from 3 submitters: Likely pathogenic (1); Uncertain significance (2). Last evaluated 2025-09-30.

Submissions (3):

Labcorp Genetics (formerly Invitae), Labcorp
Classification: Uncertain significance. Last evaluated: 2025-09-30. Review status: criteria provided, single submitter. Criteria: Invitae Variant Classification Sherloc (09022015). Collection method: clinical testing. Allele origin: germline.
Comment: This variant, c.1990_1992del, results in the deletion of 1 amino acid(s) of the SLC4A1 protein (p.Met664del), but otherwise preserves the integrity of the reading frame. This variant is not present in population databases (gnomAD no frequency). This variant has been observed in individual(s) with spherocytosis (PMID: 8640229). This variant is also known as Band 3 delM663. Experimental studies and prediction algorithms are not available or were not evaluated, and the functional significance of this variant is currently unknown. In summary, the available evidence is currently insufficient to determine the role of this variant in disease. Therefore, it has been classified as a Variant of Uncertain Significance.

Revvity Omics, Revvity
Classification: Likely pathogenic. Last evaluated: 2023-01-19. Review status: criteria provided, single submitter. Criteria: ACMG Guidelines, 2015. Collection method: clinical testing. Allele origin: germline.

Mayo Clinic Laboratories, Mayo Clinic
Classification: Uncertain significance. Last evaluated: 2022-12-22. Review status: criteria provided, single submitter. Criteria: ACMG Guidelines, 2015. Collection method: clinical testing. Allele origin: germline. Observed: 1 variant allele.
Comment: PM2, PM4

Literature cited by the submitters: PubMed 8640229 (cited by Labcorp Genetics (formerly Invitae), Labcorp and Mayo Clinic Laboratories, Mayo Clinic).